The following is an entry in ClinVar:

ClinVar aggregate classification (germline): Uncertain significance (1 of 4 stars; one submission).

Submission:

Labcorp Genetics (formerly Invitae), Labcorp
Classification: Uncertain significance. Last evaluated: 2023-08-23. Review status: criteria provided, single submitter. Criteria: Invitae Variant Classification Sherloc (09022015). Collection method: clinical testing. Allele origin: germline.
Comment: This sequence change falls in intron 7 of the HTRA1 gene. It does not directly change the encoded amino acid sequence of the HTRA1 protein. This variant is not present in population databases (gnomAD no frequency). This variant has not been reported in the literature in individuals affected with HTRA1-related conditions. Algorithms developed to predict the effect of sequence changes on RNA splicing suggest that this variant may create or strengthen a splice site. In summary, the available evidence is currently insufficient to determine the role of this variant in disease. Therefore, it has been classified as a Variant of Uncertain Significance.

NM_002775.5(HTRA1):c.1179-16T>G

Gene: HTRA1 (HtrA serine peptidase 1; plus strand). Cytogenetic location: 10q26.13.
Variant type: single nucleotide variant.
Coding change: c.1179-16T>G on transcript NM_002775.5 (MANE Select); 16 bases into the intron before coding-DNA position 1179, T replaced by G.
Molecular consequence: intron variant.
Genome position (GRCh38, 1-based): chr10:122,511,954, T>G. VCF-style: chr10-122511954-T-G. GRCh37 (hg19) VCF-style: chr10-124271470-T-G.
Identifiers: ClinVar variation 2754639 (VCV002754639.3), dbSNP rs2497655693, ClinGen allele CA2697558795.